The following is an entry in ClinVar:

ClinVar aggregate classification (germline): Uncertain significance (1 of 4 stars; one submission).

Submission:

GeneDx
Classification: Uncertain significance. Last evaluated: 2022-02-24. Review status: criteria provided, single submitter. Criteria: GeneDx Variant Classification Process June 2021. Collection method: clinical testing. Allele origin: germline. Affected: yes.
Comment: Not observed at significant frequency in large population cohorts (gnomAD); In silico analysis supports that this missense variant does not alter protein structure/function; Has not been previously published as pathogenic or benign to our knowledge

NM_001287491.2(TET3):c.5065A>G (p.Ile1689Val)

Gene: TET3 (tet methylcytosine dioxygenase 3; plus strand). Cytogenetic location: 2p13.1.
Variant type: single nucleotide variant.
Coding change: c.5065A>G on transcript NM_001287491.2 (MANE Select); coding-DNA position 5065, A replaced by G.
Protein change: p.Ile1689Val; replaces isoleucine 1689 with valine.
Molecular consequence: missense variant.
Genome position (GRCh38, 1-based): chr2:74,101,853, A>G. VCF-style: chr2-74101853-A-G. GRCh37 (hg19) VCF-style: chr2-74328980-A-G.
Other names: c.4786A>G, p.Ile1596Val (NM_001366022.1); short protein forms I1596V, I1689V.
Identifiers: ClinVar variation 1703450 (VCV001703450.2), dbSNP rs2528201769, ClinGen allele CA347323742.
Genomic context (GRCh38, chr2:74,101,853, plus strand): 5'-CGGCGGGAGCTGCACGCCACCACGCCGCTTAAGAAGCCCAACCGCTGCCACCCCACCCGC[A>G]TCTCGCTGGTCTTCTACCAGCACAAGAACCTCAACCAGCCCAACCACGGGCTGGCCCTCT-3'
Protein context (NP_001274420.1, residues 1679-1699): KKPNRCHPTR[Ile1689Val]SLVFYQHKNL